The following is an entry in ClinVar:

ClinVar aggregate classification (germline): Uncertain significance (1 of 4 stars; one submission).

Conditions:
Epidermodysplasia verruciformis. Identifiers: Orphanet 302, MedGen C0014522, MONDO:0009176.

Submission:

Labcorp Genetics (formerly Invitae), Labcorp
Classification: Uncertain significance for Epidermodysplasia verruciformis. Last evaluated: 2022-03-09. Review status: criteria provided, single submitter. Criteria: Invitae Variant Classification Sherloc (09022015). Collection method: clinical testing. Allele origin: germline.
Comment: In summary, the available evidence is currently insufficient to determine the role of this variant in disease. Therefore, it has been classified as a Variant of Uncertain Significance. Algorithms developed to predict the effect of missense changes on protein structure and function (SIFT, PolyPhen-2, Align-GVGD) all suggest that this variant is likely to be tolerated. This variant has not been reported in the literature in individuals affected with TMC8-related conditions. This variant is not present in population databases (gnomAD no frequency). This sequence change replaces valine, which is neutral and non-polar, with leucine, which is neutral and non-polar, at codon 198 of the TMC8 protein (p.Val198Leu).

NM_152468.5(TMC8):c.592G>C (p.Val198Leu)

Gene: TMC8 (transmembrane channel like 8; plus strand). Cytogenetic location: 17q25.3.
Variant type: single nucleotide variant.
Coding change: c.592G>C on transcript NM_152468.5 (MANE Select); coding-DNA position 592, G replaced by C.
Protein change: p.Val198Leu; replaces valine 198 with leucine.
Molecular consequence: missense variant.
Genome position (GRCh38, 1-based): chr17:78,133,466, G>C. VCF-style: chr17-78133466-G-C. GRCh37 (hg19) VCF-style: chr17-76129547-G-C.
Other names: short protein forms V198L.
Identifiers: ClinVar variation 2107842 (VCV002107842.4), dbSNP rs138026813, ClinGen allele CA401243062.